The following is an entry in ClinVar:

NM_000135.4(FANCA):c.3277A>G (p.Ser1093Gly)

Gene: FANCA (FA complementation group A; minus strand). Cytogenetic location: 16q24.3.
Variant type: single nucleotide variant.
Coding change: c.3277A>G on transcript NM_000135.4 (MANE Select); coding-DNA position 3277, A replaced by G.
Protein change: p.Ser1093Gly; replaces serine 1093 with glycine.
Molecular consequence: missense variant.
Genome position (GRCh38, 1-based): chr16:89,748,730, T>C on the plus strand (A>G on the coding strand, the complement: FANCA is on the minus strand). VCF-style: chr16-89748730-T-C. GRCh37 (hg19) VCF-style: chr16-89815138-T-C.
Other names: c.3277A>G, p.Ser1093Gly (NM_001286167.3); short protein forms S1093G.
Identifiers: ClinVar variation 5036391 (VCV005036391.1).

ClinVar aggregate classification (germline): Uncertain significance (1 of 4 stars; one submission).

Conditions:
Inborn genetic diseases. Identifiers: MedGen C0950123, MeSH D030342.

Submission:

Ambry Genetics
Classification: Uncertain significance for Inborn genetic diseases. Last evaluated: 2026-08-02. Review status: criteria provided, single submitter. Criteria: Ambry Variant Classification Scheme 2023. Collection method: clinical testing. Allele origin: germline.
Comment: The p.S1093G variant (also known as c.3277A>G), located in coding exon 33 of the FANCA gene, results from an A to G substitution at nucleotide position 3277. The serine at codon 1093 is replaced by glycine, an amino acid with similar properties. This amino acid position is conserved. In addition, this alteration is predicted to be tolerated by in silico analysis. Based on the available evidence, the clinical significance of this variant remains unclear.